The following is an entry in ClinVar:

NM_145868.2(ANXA11):c.703C>T (p.Arg235Trp)

Gene: ANXA11 (annexin A11; minus strand). Cytogenetic location: 10q22.3.
Variant type: single nucleotide variant.
Coding change: c.703C>T on transcript NM_145868.2 (MANE Select); coding-DNA position 703, C replaced by T.
Protein change: p.Arg235Trp; replaces arginine 235 with tryptophan.
Molecular consequence: missense variant.
Genome position (GRCh38, 1-based): chr10:80,166,931, G>A on the plus strand (C>T on the coding strand, the complement: ANXA11 is on the minus strand). VCF-style: chr10-80166931-G-A. GRCh37 (hg19) VCF-style: chr10-81926687-G-A.
Other names: c.703C>T, p.Arg235Trp (NM_001157.3, NM_001278407.2, NM_001278408.2 and 1 more transcripts); c.604C>T, p.Arg202Trp (NM_001278409.2); short protein forms R202W, R235W.
Identifiers: ClinVar variation 1985943 (VCV001985943.4), dbSNP rs750665318, ClinGen allele CA5576172.
Genomic context (GRCh38, chr10:80,166,931, plus strand): 5'-CCCCCACCCCGCAGCTCGCCTTGCCGTAAGCCGTCTTGAAGGAAAGTAGGATCTGCTGCC[G>A]CTGCTTGTTGGAGCGACTCCCCAGGCAGTCAATGATGGCCTGCTCATCCGTCCCTGGAGG-3'
Protein context (NP_665875.1, residues 225-245): DCLGSRSNKQ[Arg235Trp]QQILLSFKTA

ClinVar aggregate classification (germline): Uncertain significance (1 of 4 stars; one submission).

Allele frequency attached by ClinVar (database versions not stated): TOPMed below 0.00001; ExAC 0.00001.
gnomAD v4.1: 4 of 1,609,084 alleles (0.00025%); highest among the groups gnomAD compares: East Asian, 0.0022%; no homozygotes.

Submission:

Labcorp Genetics (formerly Invitae), Labcorp
Classification: Uncertain significance. Last evaluated: 2023-10-06. Review status: criteria provided, single submitter. Criteria: Invitae Variant Classification Sherloc (09022015). Collection method: clinical testing. Allele origin: germline.
Comment: This sequence change replaces arginine, which is basic and polar, with tryptophan, which is neutral and slightly polar, at codon 235 of the ANXA11 protein (p.Arg235Trp). The frequency data for this variant in the population databases is considered unreliable, as metrics indicate poor data quality at this position in the gnomAD database. This variant has not been reported in the literature in individuals affected with ANXA11-related conditions. ClinVar contains an entry for this variant (Variation ID: 1985943). An algorithm developed to predict the effect of missense changes on protein structure and function (PolyPhen-2) suggests that this variant is likely to be disruptive. In summary, the available evidence is currently insufficient to determine the role of this variant in disease. Therefore, it has been classified as a Variant of Uncertain Significance.